The following is an entry in ClinVar:

NM_000057.4(BLM):c.3668C>G (p.Thr1223Arg)

Gene: BLM (BLM RecQ like helicase; plus strand). Cytogenetic location: 15q26.1.
Variant type: single nucleotide variant.
Coding change: c.3668C>G on transcript NM_000057.4 (MANE Select); coding-DNA position 3668, C replaced by G.
Protein change: p.Thr1223Arg; replaces threonine 1223 with arginine.
Molecular consequence: missense variant. On other transcripts: intron variant (1).
Genome position (GRCh38, 1-based): chr15:90,804,276, C>G. VCF-style: chr15-90804276-C-G. GRCh37 (hg19) VCF-style: chr15-91347506-C-G.
Other names: c.3668C>G, p.Thr1223Arg (NM_001287246.2); c.2543C>G, p.Thr848Arg (NM_001287248.2); c.3359-4861C>G (NM_001287247.2); short protein forms T1223R, T848R.
Identifiers: ClinVar variation 580056 (VCV000580056.12), dbSNP rs772506214, ClinGen allele CA7739089.

ClinVar aggregate classification (germline): Uncertain significance. Review status: criteria provided, multiple submitters, no conflicts (2 of 4 stars). 2 submissions from 2 submitters: Uncertain significance (2). Last evaluated 2025-05-21.

Conditions:
Bloom syndrome (BLM). Also called: Bloom-Torre-Machacek syndrome. Identifiers: Orphanet 125, MedGen C0005859, MONDO:0008876, OMIM 210900.
Hereditary cancer-predisposing syndrome. Also called: Neoplastic Syndromes, Hereditary; Tumor predisposition; Hereditary neoplastic syndrome; Hereditary Cancer Syndrome. Identifiers: Orphanet 140162, MedGen C0027672, MeSH D009386, MONDO:0015356.

Allele frequency attached by ClinVar (database versions not stated): gnomAD exomes below 0.00001; ExAC 0.00001.
gnomAD v4.1: 3 of 1,614,066 alleles (0.00019%); highest among the groups gnomAD compares: Non-Finnish European, 0.00025%; no homozygotes.

Submissions (2):

Labcorp Genetics (formerly Invitae), Labcorp
Classification: Uncertain significance for Bloom syndrome. Last evaluated: 2025-05-21. Review status: criteria provided, single submitter. Criteria: Invitae Variant Classification Sherloc (09022015). Collection method: clinical testing. Allele origin: germline.
Comment: This sequence change replaces threonine, which is neutral and polar, with arginine, which is basic and polar, at codon 1223 of the BLM protein (p.Thr1223Arg). This variant is present in population databases (rs772506214, gnomAD 0.0009%). This variant has not been reported in the literature in individuals affected with BLM-related conditions. ClinVar contains an entry for this variant (Variation ID: 580056). Invitae Evidence Modeling of protein sequence and biophysical properties (such as structural, functional, and spatial information, amino acid conservation, physicochemical variation, residue mobility, and thermodynamic stability) indicates that this missense variant is not expected to disrupt BLM protein function with a negative predictive value of 80%. In summary, the available evidence is currently insufficient to determine the role of this variant in disease. Therefore, it has been classified as a Variant of Uncertain Significance.

Ambry Genetics
Classification: Uncertain significance for Hereditary cancer-predisposing syndrome. Last evaluated: 2025-03-08. Review status: criteria provided, single submitter. Criteria: Ambry Variant Classification Scheme 2023. Collection method: clinical testing. Allele origin: germline.
Comment: The p.T1223R variant (also known as c.3668C>G), located in coding exon 18 of the BLM gene, results from a C to G substitution at nucleotide position 3668. The threonine at codon 1223 is replaced by arginine, an amino acid with similar properties. This amino acid position is conserved. In addition, this alteration is predicted to be tolerated by in silico analysis. Since supporting evidence is limited at this time, the clinical significance of this alteration remains unclear.